The following is an entry in ClinVar:

NM_001271938.2(MEGF8):c.4322G>A (p.Gly1441Asp)

Gene: MEGF8 (multiple EGF like domains 8; plus strand). Cytogenetic location: 19q13.2.
Variant type: single nucleotide variant.
Coding change: c.4322G>A on transcript NM_001271938.2 (MANE Select); coding-DNA position 4322, G replaced by A.
Protein change: p.Gly1441Asp; replaces glycine 1441 with aspartic acid.
Molecular consequence: missense variant.
Genome position (GRCh38, 1-based): chr19:42,355,935, G>A. VCF-style: chr19-42355935-G-A. GRCh37 (hg19) VCF-style: chr19-42860087-G-A.
Other names: c.4121G>A, p.Gly1374Asp (NM_001410.3); short protein forms G1374D, G1441D.
Identifiers: ClinVar variation 473331 (VCV000473331.8), dbSNP rs1229026252, ClinGen allele CA406113294.
Genomic context (GRCh38, chr19:42,355,935, plus strand): 5'-GCGTGCCCCAGGACGGTGCTGCAGGTGCGGGGCTCTGCCGATGTCCTCAGGGCTGGGCTG[G>A]CCCACACTGCCGCATGGCTCTGTGTCCTGAGAACTGCAATGCCCACACTGGGGCAGGAAC-3'
Protein context (NP_001258867.1, residues 1431-1451): GLCRCPQGWA[Gly1441Asp]PHCRMALCPE

ClinVar aggregate classification (germline): Uncertain significance (1 of 4 stars; one submission).

Conditions:
MEGF8-related Carpenter syndrome. Also called: Carpenter syndrome 2. Identifiers: Orphanet 65759, MedGen C3554247, MONDO:0013998, OMIM 614976.

Allele frequency attached by ClinVar (database versions not stated): TOPMed 0.00002; gnomAD exomes 0.00001; gnomAD 0.00001.
gnomAD v4.1: 18 of 1,607,946 alleles (0.0011%); highest among the groups gnomAD compares: Non-Finnish European, 0.0015%; no homozygotes.

Submission:

Labcorp Genetics (formerly Invitae), Labcorp
Classification: Uncertain significance for MEGF8-related Carpenter syndrome. Last evaluated: 2017-07-16. Review status: criteria provided, single submitter. Criteria: Invitae Variant Classification Sherloc (09022015). Collection method: clinical testing. Allele origin: germline.
Comment: In summary, the available evidence is currently insufficient to determine the role of this variant in disease. Therefore, it has been classified as a Variant of Uncertain Significance. Algorithms developed to predict the effect of missense changes on protein structure and function do not agree on the potential impact of this missense change (SIFT: "Deleterious"; PolyPhen-2: "Probably Damaging"; Align-GVGD: "Class C0"). This variant has not been reported in the literature in individuals with MEGF8-related disease. This variant is not present in population databases (ExAC no frequency). This sequence change replaces glycine with aspartic acid at codon 1374 of the MEGF8 protein (p.Gly1374Asp). The glycine residue is highly conserved and there is a moderate physicochemical difference between glycine and aspartic acid.